The following is an entry in ClinVar:

NM_001374385.1(ATP8B1):c.2212del (p.Thr738fs)

Genes: ATP8B1 (ATPase phospholipid transporting 8B1; minus strand), ATP8B1-AS1 (ATP8B1 antisense RNA 1; plus strand). Cytogenetic location: 18q21.31.
Variant type: Deletion.
Coding change: c.2212del on transcript NM_001374385.1 (MANE Select); coding-DNA position 2212, one base deleted (A; older notation c.2212delA).
Protein change: p.Thr738fs; shifts the reading frame from threonine 738.
Molecular consequence: frameshift variant.
Genome position (GRCh38, 1-based): chr18:57,667,165, T deleted on the plus strand (A on the coding strand, the reverse complement: ATP8B1 is on the minus strand); the first of 3 consecutive T bases (chr18:57,667,165-57,667,167); deleting any one gives the same sequence. VCF-style (leftmost placement, unchanged base first): chr18-57667164-GT-G. GRCh37 (hg19) VCF-style: chr18-55334396-GT-G.
Other names: c.2062del, p.Thr688fs (NM_001374386.1); c.2212del, p.Thr738fs (NM_005603.6); short protein forms T688fs, T738fs.
Identifiers: ClinVar variation 4846298 (VCV004846298.1).

ClinVar aggregate classification (germline): Pathogenic (1 of 4 stars; one submission).

Conditions:
Familial intrahepatic cholestasis. Identifiers: Orphanet 284385, MedGen CN296401, MONDO:0017290.

Submission:

Genomenon, Inc
Classification: Pathogenic for Familial intrahepatic cholestasis. Last evaluated: 2026-04-14. Review status: criteria provided, single submitter. Criteria: Genomenon Sequence Variant Interpretation Standards - Updated. Collection method: curation. Allele origin: germline. Affected: yes.
Comment: ATP8B1 p.Thr738LeufsTer5 (c.2212del) is a frameshift variant that results in the production of a truncated protein which is predicted to undergo nonsense-mediated mRNA decay. This variant has been observed in at least one proband with features of ATP8B1-deficiency (PMID:22525741). It is absent or not present at a significant frequency in gnomAD. In conclusion, we classify ATP8B1 p.Thr738LeufsTer5 (c.2212del) as a pathogenic variant.

Literature cited by the submitters: PubMed 22525741.